The following is an entry in ClinVar:

ClinVar aggregate classification (germline): Pathogenic (1 of 4 stars; one submission).

Conditions:
Osteogenesis imperfecta type I (OI1). Also called: Lobstein's Disease; OI, TYPE I; OSTEOGENESIS IMPERFECTA TARDA; OSTEOGENESIS IMPERFECTA WITH BLUE SCLERAE; Osteogenesis imperfecta type 1; Lobstein disease. Identifiers: Orphanet 216796, Orphanet 666, MedGen C0023931, MONDO:0008146, OMIM 166200. Disease mechanism: loss of function.

Submission:

Labcorp Genetics (formerly Invitae), Labcorp
Classification: Pathogenic for Osteogenesis imperfecta type I. Last evaluated: 2021-01-15. Review status: criteria provided, single submitter. Criteria: Invitae Variant Classification Sherloc (09022015). Collection method: clinical testing. Allele origin: germline.
Comment: This sequence change replaces glycine with serine at codon 902 of the COL1A1 protein (p.Gly902Ser). The glycine residue is highly conserved and there is a small physicochemical difference between glycine and serine. This variant is not present in population databases (ExAC no frequency). This variant has been observed in individual(s) with osteogenesis imperfecta (PMID: 30715774). ClinVar contains an entry for this variant (Variation ID: 834833). Algorithms developed to predict the effect of missense changes on protein structure and function are either unavailable or do not agree on the potential impact of this missense change (SIFT: "Tolerated"; PolyPhen-2: "Not Available"; Align-GVGD: "Class C0"). Algorithms developed to predict the effect of sequence changes on RNA splicing suggest that this variant may create or strengthen a splice site, but this prediction has not been confirmed by published transcriptional studies. This variant disrupts the triple helix domain of COL1A1. Glycine residues within the Gly-Xaa-Yaa repeats of the triple helix domain are required for the structure and stability of fibrillar collagens (PMID: 7695699, 8218237, 19344236). In COL1A1, variants affecting these glycine residues are significantly enriched in individuals with disease (PMID: 9016532, 17078022) compared to the general population (ExAC). For these reasons, this variant has been classified as Pathogenic.

Literature cited by the submitters: PubMed 30715774; PubMed 7695699; PubMed 8218237; PubMed 19344236; PubMed 9016532; PubMed 17078022.

NM_000088.4(COL1A1):c.2704G>A (p.Gly902Ser)

Gene: COL1A1 (collagen type I alpha 1 chain; minus strand). Cytogenetic location: 17q21.33.
Variant type: single nucleotide variant.
Coding change: c.2704G>A on transcript NM_000088.4 (MANE Select); coding-DNA position 2704, G replaced by A.
Protein change: p.Gly902Ser; replaces glycine 902 with serine.
Molecular consequence: missense variant.
Genome position (GRCh38, 1-based): chr17:50,189,502, C>T on the plus strand (G>A on the coding strand, the complement: COL1A1 is on the minus strand). VCF-style: chr17-50189502-C-T. GRCh37 (hg19) VCF-style: chr17-48266863-C-T.
Other names: short protein forms G902S.
Identifiers: ClinVar variation 834833 (VCV000834833.10), dbSNP rs1906874191, ClinGen allele CA400205966.
Genomic context (GRCh38, chr17:50,189,502, plus strand): 5'-CTTCACCAGGACGTCCAGCAGGGCCAGTCTCACCACGGGGACCTTTGCCGCCTTCTTTGC[C>T]AGCAGGACCAGGAGGGCCAGGGGGTCCAGCATTTCCCTGGATGAGGATAGGAGGGGCTGT-3'
Protein context (NP_000079.2, residues 892-912): AGPPGPPGPA[Gly902Ser]KEGGKGPRGE